The following is an entry in ClinVar:

NM_012282.4(KCNE5):c.15G>C (p.Glu5Asp)

Gene: KCNE5 (potassium voltage-gated channel subfamily E regulatory subunit 5; minus strand). Cytogenetic location: Xq23.
Variant type: single nucleotide variant.
Coding change: c.15G>C on transcript NM_012282.4 (MANE Select); coding-DNA position 15, G replaced by C.
Protein change: p.Glu5Asp; replaces glutamic acid 5 with aspartic acid.
Molecular consequence: missense variant.
Genome position (GRCh38, 1-based): chrX:109,625,006, C>G on the plus strand (G>C on the coding strand, the complement: KCNE5 is on the minus strand). VCF-style: chrX-109625006-C-G. GRCh37 (hg19) VCF-style: chrX-108868235-C-G.
Other names: short protein forms E5D.
Identifiers: ClinVar variation 3113147 (VCV003113147.2), dbSNP rs753839189, ClinGen allele CA10490916.

ClinVar aggregate classification (germline): Uncertain significance (1 of 4 stars; one submission).

Allele frequency attached by ClinVar (database versions not stated): gnomAD exomes below 0.00001; TOPMed below 0.00001; ExAC 0.00003.

Submission:

Ambry Genetics
Classification: Uncertain significance. Last evaluated: 2024-11-27. Review status: criteria provided, single submitter. Criteria: Ambry Variant Classification Scheme 2023. Collection method: clinical testing. Allele origin: germline.
Comment: The p.E5D variant (also known as c.15G>C), located in coding exon 1 of the KCNE5 gene, results from a G to C substitution at nucleotide position 15. The glutamic acid at codon 5 is replaced by aspartic acid, an amino acid with highly similar properties. This amino acid position is conserved. In addition, this alteration is predicted to be tolerated by in silico analysis. Based on the available evidence, the clinical significance of this variant remains unclear.